The following is an entry in ClinVar:

NM_001939.3(DRP2):c.1134A>G (p.Thr378=)

Gene: DRP2 (dystrophin related protein 2; plus strand). Cytogenetic location: Xq22.1.
Variant type: single nucleotide variant.
Coding change: c.1134A>G on transcript NM_001939.3 (MANE Select); coding-DNA position 1134, A replaced by G.
Protein change: p.Thr378=; no amino-acid change (threonine 378 retained).
Molecular consequence: synonymous variant.
Genome position (GRCh38, 1-based): chrX:101,245,406, A>G. VCF-style: chrX-101245406-A-G. GRCh37 (hg19) VCF-style: chrX-100500395-A-G.
Other names: c.900A>G, p.Thr300= (NM_001171184.2).
Identifiers: ClinVar variation 2033539 (VCV002033539.4), dbSNP rs763727945, ClinGen allele CA10472197.

ClinVar aggregate classification (germline): Uncertain significance (1 of 4 stars; one submission).

Allele frequency attached by ClinVar (database versions not stated): gnomAD exomes below 0.00001; ExAC 0.00002.
gnomAD v4.1: 1 of 1,206,314 alleles (0.000083%); highest among the groups gnomAD compares: African/African-American, 0.0017%; no homozygotes.

Submission:

Labcorp Genetics (formerly Invitae), Labcorp
Classification: Uncertain significance. Last evaluated: 2022-10-01. Review status: criteria provided, single submitter. Criteria: Invitae Variant Classification Sherloc (09022015). Collection method: clinical testing. Allele origin: germline.
Comment: This variant has not been reported in the literature in individuals affected with DRP2-related conditions. In summary, the available evidence is currently insufficient to determine the role of this variant in disease. Therefore, it has been classified as a Variant of Uncertain Significance. Algorithms developed to predict the effect of sequence changes on RNA splicing suggest that this variant may create or strengthen a splice site. The frequency data for this variant in the population databases is considered unreliable, as metrics indicate poor data quality at this position in the gnomAD database. This sequence change affects codon 378 of the DRP2 mRNA. It is a 'silent' change, meaning that it does not change the encoded amino acid sequence of the DRP2 protein.